The following is an entry in ClinVar:

NM_002181.4(IHH):c.*13G>A

Gene: IHH (Indian hedgehog signaling molecule; minus strand). Cytogenetic location: 2q35.
Variant type: single nucleotide variant.
Coding change: c.*13G>A on transcript NM_002181.4 (MANE Select); 13 bases downstream of the stop codon, G replaced by A.
Molecular consequence: 3 prime UTR variant.
Genome position (GRCh38, 1-based): chr2:219,055,194, C>T on the plus strand (G>A on the coding strand, the complement: IHH is on the minus strand). VCF-style: chr2-219055194-C-T. GRCh37 (hg19) VCF-style: chr2-219919916-C-T.
Identifiers: ClinVar variation 334432 (VCV000334432.5), dbSNP rs534566881, ClinGen allele CA2116503.

ClinVar aggregate classification (germline): Benign (1 of 4 stars; one submission).

Conditions:
Brachydactyly type A1. Also called: FARABEE-TYPE BRACHYDACTYLY; SHORT STATURE WITH NONSPECIFIC SKELETAL ABNORMALITIES 2. Identifiers: Orphanet 93388, MedGen C1862151, MONDO:0007215, OMIM 112500, HP:0009371.

Allele frequency attached by ClinVar (database versions not stated): gnomAD 0.00007 and 0.00010; TOPMed 0.00011; gnomAD exomes 0.00014; 1000 Genomes Project 30x 0.00016; 1000 Genomes Project 0.00020; ExAC 0.00046.

Submission:

Illumina Laboratory Services, Illumina
Classification: Benign for Brachydactyly type A1. Last evaluated: 2018-01-13. Review status: criteria provided, single submitter. Criteria: ICSL Variant Classification Criteria 13 December 2019. Collection method: clinical testing. Allele origin: germline.
Comment: This variant was observed in the ICSL laboratory as part of a predisposition screen in an ostensibly healthy population. It had not been previously curated by ICSL or reported in the Human Gene Mutation Database (HGMD: prior to June 1st, 2018), and was therefore a candidate for classification through an automated scoring system. Utilizing variant allele frequency, disease prevalence and penetrance estimates, and inheritance mode, an automated score was calculated to assess if this variant is too frequent to cause the disease. Based on the score and internal cut-off values, a variant classified as benign is not then subjected to further curation. The score for this variant resulted in a classification of benign for this disease.